The following is an entry in ClinVar:

NM_203447.4(DOCK8):c.4776T>G (p.Phe1592Leu)

Gene: DOCK8 (dedicator of cytokinesis 8; plus strand). Cytogenetic location: 9p24.3.
Variant type: single nucleotide variant.
Coding change: c.4776T>G on transcript NM_203447.4 (MANE Select); coding-DNA position 4776, T replaced by G.
Protein change: p.Phe1592Leu; replaces phenylalanine 1592 with leucine.
Molecular consequence: missense variant.
Genome position (GRCh38, 1-based): chr9:432,315, T>G. VCF-style: chr9-432315-T-G. GRCh37 (hg19) VCF-style: chr9-432315-T-G.
Other names: c.4476T>G, p.Phe1492Leu (NM_001190458.2); c.4572T>G, p.Phe1524Leu (NM_001193536.2); short protein forms F1524L, F1592L, F1492L.
Identifiers: ClinVar variation 1994533 (VCV001994533.4), dbSNP rs1452854736, ClinGen allele CA372766901.
Genomic context (GRCh38, chr9:432,315, plus strand): 5'-ATCCTTGAGGACAATTTTGGCCTATTCAGAAGAGGACACAGCCATGCAGATGACTCCTTT[T>G]CCCACCCAGGTACACCGAAGCACATACCTTGTCTCATGCATGAGTTTGGGATCTGCCAAC-3'
Protein context (NP_982272.2, residues 1582-1602): EEDTAMQMTP[Phe1592Leu]PTQVEELLCN

ClinVar aggregate classification (germline): Uncertain significance (1 of 4 stars; one submission).

Conditions:
Combined immunodeficiency due to DOCK8 deficiency (HIES2). Also called: Hyper-IgE recurrent infection syndrome, autosomal recessive; HIES autosomal recessive; HYPER-IgE SYNDROME 2, AUTOSOMAL RECESSIVE, WITH RECURRENT INFECTIONS; DOCK8 Deficiency; HYPER-IgE RECURRENT INFECTION SYNDROME 2, AUTOSOMAL RECESSIVE. Identifiers: Orphanet 217390, MedGen C4722305, MONDO:0009478, OMIM 243700.

Allele frequency attached by ClinVar (database versions not stated): TOPMed below 0.00001; gnomAD 0.00001.
gnomAD v4.1: 1 of 1,614,006 alleles (0.000062%); highest among the groups gnomAD compares: African/African-American, 0.0013%; no homozygotes.

Submission:

Labcorp Genetics (formerly Invitae), Labcorp
Classification: Uncertain significance for Combined immunodeficiency due to DOCK8 deficiency. Last evaluated: 2024-04-05. Review status: criteria provided, single submitter. Criteria: Invitae Variant Classification Sherloc (09022015). Collection method: clinical testing. Allele origin: germline.
Comment: This sequence change replaces phenylalanine, which is neutral and non-polar, with leucine, which is neutral and non-polar, at codon 1592 of the DOCK8 protein (p.Phe1592Leu). This variant is present in population databases (no rsID available, gnomAD 0.01%). This variant has not been reported in the literature in individuals affected with DOCK8-related conditions. ClinVar contains an entry for this variant (Variation ID: 1994533). Advanced modeling of protein sequence and biophysical properties (such as structural, functional, and spatial information, amino acid conservation, physicochemical variation, residue mobility, and thermodynamic stability) performed at Invitae indicates that this missense variant is not expected to disrupt DOCK8 protein function with a negative predictive value of 80%. In summary, the available evidence is currently insufficient to determine the role of this variant in disease. Therefore, it has been classified as a Variant of Uncertain Significance.